The following is an entry in ClinVar:

NM_080476.5(PIGU):c.717A>C (p.Val239=)

Gene: PIGU (phosphatidylinositol glycan anchor biosynthesis class U; minus strand). Cytogenetic location: 20q11.22.
Variant type: single nucleotide variant.
Coding change: c.717A>C on transcript NM_080476.5 (MANE Select); coding-DNA position 717, A replaced by C.
Protein change: p.Val239=; no amino-acid change (valine 239 retained).
Molecular consequence: synonymous variant.
Genome position (GRCh38, 1-based): chr20:34,588,518, T>G on the plus strand (A>C on the coding strand, the complement: PIGU is on the minus strand). VCF-style: chr20-34588518-T-G. GRCh37 (hg19) VCF-style: chr20-33176322-T-G.
Identifiers: ClinVar variation 1998050 (VCV001998050.4), dbSNP rs1983796393, ClinGen allele CA510278385.

ClinVar aggregate classification (germline): Uncertain significance (1 of 4 stars; one submission).

Submission:

Labcorp Genetics (formerly Invitae), Labcorp
Classification: Uncertain significance. Last evaluated: 2022-05-26. Review status: criteria provided, single submitter. Criteria: Invitae Variant Classification Sherloc (09022015). Collection method: clinical testing. Allele origin: germline.
Comment: In summary, the available evidence is currently insufficient to determine the role of this variant in disease. Therefore, it has been classified as a Variant of Uncertain Significance. Algorithms developed to predict the effect of sequence changes on RNA splicing suggest that this variant may disrupt the consensus splice site. This variant has not been reported in the literature in individuals affected with PIGU-related conditions. This variant is not present in population databases (gnomAD no frequency). This sequence change affects codon 239 of the PIGU mRNA. It is a 'silent' change, meaning that it does not change the encoded amino acid sequence of the PIGU protein.